The following is an entry in ClinVar:

NM_000019.4(ACAT1):c.1049G>A (p.Trp350Ter)

Gene: ACAT1 (acetyl-CoA acetyltransferase 1; plus strand). Cytogenetic location: 11q22.3.
Variant type: single nucleotide variant.
Coding change: c.1049G>A on transcript NM_000019.4 (MANE Select); coding-DNA position 1049, G replaced by A.
Protein change: p.Trp350Ter; replaces tryptophan 350 with a stop codon.
Molecular consequence: nonsense.
Genome position (GRCh38, 1-based): chr11:108,146,245, G>A. VCF-style: chr11-108146245-G-A. GRCh37 (hg19) VCF-style: chr11-108016972-G-A.
Other names: short protein forms W350*.
Identifiers: ClinVar variation 858337 (VCV000858337.10), dbSNP rs1367121673, ClinGen allele CA382508425.

ClinVar aggregate classification (germline): Pathogenic/Likely pathogenic. Review status: criteria provided, multiple submitters, no conflicts (2 of 4 stars). 4 submissions from 4 submitters: Pathogenic (2); Likely pathogenic (2). Last evaluated 2025-12-03.

Conditions:
Deficiency of acetyl-CoA acetyltransferase. Also called: 3-KETOTHIOLASE DEFICIENCY; 3-OXOTHIOLASE DEFICIENCY; MITOCHONDRIAL ACETOACETYL-CoA THIOLASE DEFICIENCY; Beta-ketothiolase deficiency. Identifiers: Orphanet 134, MedGen C1536500, MONDO:0008760, OMIM 203750. Disease mechanism: loss of function.

Allele frequency attached by ClinVar (database versions not stated): TOPMed 0.00001.

Submissions (4):

Myriad Genetics, Inc.
Classification: Pathogenic for Deficiency of acetyl-CoA acetyltransferase. Last evaluated: 2025-12-03. Review status: criteria provided, single submitter. Criteria: Myriad Autosomal Dominant, Autosomal Recessive and X-Linked Classification Criteria (2023). Collection method: clinical testing. Allele origin: unknown.
Comment: NM_000019.3(ACAT1):c.1049G>A(W350*) is a nonsense variant classified as pathogenic in the context of beta-ketothiolase deficiency. W350* has not been observed in cases with relevant disease. Relevant functional assessments of this variant are not available in the literature. W350* has not been observed in referenced population frequency databases. In summary, NM_000019.3(ACAT1):c.1049G>A(W350*) is a nonsense variant in a gene where loss of function is a known mechanism of disease and is predicted to disrupt protein function. Please note: this variant was assessed in the context of healthy population screening.

Natera, Inc.
Classification: Likely pathogenic for Alpha-methylacetoacetic aciduria. Last evaluated: 2025-07-03. Review status: criteria provided, single submitter. Criteria: Natera Variant Classification Schema (03/2026). Collection method: clinical testing. Allele origin: germline.
Comment: The c.1049G>A variant in ACAT1 is a nonsense variant predicted to introduce a stop codon at amino acid 350. This variant is expected to result in nonsense mediated decay, truncation, or a dysfunctional protein product. This variant is rare in the general population with a frequency below the threshold expected for the associated phenotype(s). Given the available evidence, this variant is classified as Likely Pathogenic.

Baylor Genetics
Classification: Likely pathogenic for Deficiency of acetyl-CoA acetyltransferase. Last evaluated: 2022-11-22. Review status: criteria provided, single submitter. Criteria: ACMG Guidelines, 2015. Collection method: clinical testing. Allele origin: unknown.

Labcorp Genetics (formerly Invitae), Labcorp
Classification: Pathogenic for Deficiency of acetyl-CoA acetyltransferase. Last evaluated: 2022-07-23. Review status: criteria provided, single submitter. Criteria: Invitae Variant Classification Sherloc (09022015). Collection method: clinical testing. Allele origin: germline.
Comment: For these reasons, this variant has been classified as Pathogenic. Algorithms developed to predict the effect of sequence changes on RNA splicing suggest that this variant may create or strengthen a splice site. ClinVar contains an entry for this variant (Variation ID: 858337). This variant has not been reported in the literature in individuals affected with ACAT1-related conditions. This variant is present in population databases (no rsID available, gnomAD 0.007%). This sequence change creates a premature translational stop signal (p.Trp350*) in the ACAT1 gene. It is expected to result in an absent or disrupted protein product. Loss-of-function variants in ACAT1 are known to be pathogenic (PMID: 7749408).

Literature cited by the submitters: PubMed 7749408 (cited by Labcorp Genetics (formerly Invitae), Labcorp).